The following is an entry in ClinVar:

NM_198253.3(TERT):c.2943del (p.Lys981fs)

Gene: TERT (telomerase reverse transcriptase; minus strand). Cytogenetic location: 5p15.33.
Variant type: Deletion.
Coding change: c.2943del on transcript NM_198253.3 (MANE Select); coding-DNA position 2943, one base deleted (G; older notation c.2943delG).
Protein change: p.Lys981fs; shifts the reading frame from lysine 981.
Molecular consequence: frameshift variant. On other transcripts: non-coding transcript variant (2).
Genome position (GRCh38, 1-based): chr5:1,260,501, C deleted on the plus strand (G on the coding strand, the reverse complement: TERT is on the minus strand). VCF-style (leftmost placement, unchanged base first): chr5-1260500-AC-A. GRCh37 (hg19) VCF-style: chr5-1260615-AC-A.
Other names: c.2754del, p.Lys918fs (NM_001193376.3); c.2943delG, p.Lys981Asnfs (NM_003219.1); short protein forms K918fs, K981fs.
Identifiers: ClinVar variation 2026183 (VCV002026183.4), dbSNP rs2478129386, ClinGen allele CA2580071955.

ClinVar aggregate classification (germline): Pathogenic (1 of 4 stars; one submission).

Conditions:
Dyskeratosis congenita, autosomal dominant 2. Identifiers: MedGen C3151443, MONDO:0013521, OMIM 613989.
Idiopathic Pulmonary Fibrosis. Also called: Idiopathic fibrosing alveolitis, chronic form; idiopathic fibrosing alveolitis. Identifiers: Orphanet 2032, MedGen C1800706, MeSH D054990, MONDO:0800504.

Submission:

Labcorp Genetics (formerly Invitae), Labcorp
Classification: Pathogenic for Dyskeratosis congenita, autosomal dominant 2; Idiopathic Pulmonary Fibrosis. Last evaluated: 2022-08-22. Review status: criteria provided, single submitter. Criteria: Invitae Variant Classification Sherloc (09022015). Collection method: clinical testing. Allele origin: germline.
Comment: For these reasons, this variant has been classified as Pathogenic. This variant has not been reported in the literature in individuals affected with TERT-related conditions. This variant is not present in population databases (gnomAD no frequency). This sequence change creates a premature translational stop signal (p.Lys981Asnfs*11) in the TERT gene. It is expected to result in an absent or disrupted protein product. Loss-of-function variants in TERT are known to be pathogenic (PMID: 16247010, 17460043).

Literature cited by the submitters: PubMed 16247010; PubMed 17460043.